The following is an entry in ClinVar:

NM_014855.3(AP5Z1):c.701A>T (p.Asp234Val)

Gene: AP5Z1 (adaptor related protein complex 5 subunit zeta 1; plus strand). Cytogenetic location: 7p22.1.
Variant type: single nucleotide variant.
Coding change: c.701A>T on transcript NM_014855.3 (MANE Select); coding-DNA position 701, A replaced by T.
Protein change: p.Asp234Val; replaces aspartic acid 234 with valine.
Molecular consequence: missense variant. On other transcripts: non-coding transcript variant (1).
Genome position (GRCh38, 1-based): chr7:4,784,282, A>T. VCF-style: chr7-4784282-A-T. GRCh37 (hg19) VCF-style: chr7-4823913-A-T.
Other names: c.701A>T, p.Asp234Val (LRG_1247t1); c.233A>T, p.Asp78Val (NM_001364858.1); short protein forms D234V, D78V.
Identifiers: ClinVar variation 658430 (VCV000658430.8), dbSNP rs767413099, ClinGen allele CA4137325.

ClinVar aggregate classification (germline): Uncertain significance (1 of 4 stars; one submission).

Conditions:
Hereditary spastic paraplegia 48. Also called: SPASTIC PARAPLEGIA 48, AUTOSOMAL RECESSIVE; Spastic paraplegia 48. Identifiers: Orphanet 306511, MedGen C3150901, MONDO:0013342, OMIM 613647.

Allele frequency attached by ClinVar (database versions not stated): gnomAD exomes below 0.00001; TOPMed 0.00001; ExAC 0.00002.
gnomAD v4.1: 3 of 1,602,348 alleles (0.00019%); highest among the groups gnomAD compares: Non-Finnish European, 0.00026%; no homozygotes.

Submission:

Labcorp Genetics (formerly Invitae), Labcorp
Classification: Uncertain significance for Hereditary spastic paraplegia 48. Last evaluated: 2018-08-29. Review status: criteria provided, single submitter. Criteria: Invitae Variant Classification Sherloc (09022015). Collection method: clinical testing. Allele origin: germline.
Comment: This sequence change replaces aspartic acid with valine at codon 234 of the AP5Z1 protein (p.Asp234Val). The aspartic acid residue is weakly conserved and there is a large physicochemical difference between aspartic acid and valine. This variant is present in population databases (rs767413099, ExAC 0.003%). This variant has not been reported in the literature in individuals with AP5Z1-related disease. Algorithms developed to predict the effect of missense changes on protein structure and function are either unavailable or do not agree on the potential impact of this missense change (SIFT: "Deleterious"; PolyPhen-2: "Benign"; Align-GVGD: "Class C35"). In summary, the available evidence is currently insufficient to determine the role of this variant in disease. Therefore, it has been classified as a Variant of Uncertain Significance.